The following is an entry in ClinVar:

ClinVar aggregate classification (germline): Uncertain significance (1 of 4 stars; one submission).

Conditions:
Inborn genetic diseases. Identifiers: MedGen C0950123, MeSH D030342.

Submission:

Ambry Genetics
Classification: Uncertain significance for Inborn genetic diseases. Last evaluated: 2025-10-22. Review status: criteria provided, single submitter. Criteria: Ambry Variant Classification Scheme 2023. Collection method: clinical testing. Allele origin: germline.
Comment: The p.T499S variant (also known as c.1495A>T), located in coding exon 15 of the ANKRD26 gene, results from an A to T substitution at nucleotide position 1495. The threonine at codon 499 is replaced by serine, an amino acid with similar properties. This amino acid position is conserved. In addition, this alteration is predicted to be tolerated by in silico analysis. Based on the available evidence, the clinical significance of this variant remains unclear.

NM_014915.3(ANKRD26):c.1495A>T (p.Thr499Ser)

Gene: ANKRD26 (ankyrin repeat domain 26; minus strand). Cytogenetic location: 10p12.1.
Variant type: single nucleotide variant.
Coding change: c.1495A>T on transcript NM_014915.3 (MANE Select); coding-DNA position 1495, A replaced by T.
Protein change: p.Thr499Ser; replaces threonine 499 with serine.
Molecular consequence: missense variant.
Genome position (GRCh38, 1-based): chr10:27,060,414, T>A on the plus strand (A>T on the coding strand, the complement: ANKRD26 is on the minus strand). VCF-style: chr10-27060414-T-A. GRCh37 (hg19) VCF-style: chr10-27349343-T-A.
Other names: c.1495A>T, p.Thr499Ser (NM_001256053.2); short protein forms T499S.
Identifiers: ClinVar variation 4579575 (VCV004579575.1).